The following is an entry in ClinVar:

NM_000088.4(COL1A1):c.*836C>T

Gene: COL1A1 (collagen type I alpha 1 chain; minus strand). Cytogenetic location: 17q21.33.
Variant type: single nucleotide variant.
Coding change: c.*836C>T on transcript NM_000088.4 (MANE Select); 836 bases downstream of the stop codon, C replaced by T.
Molecular consequence: 3 prime UTR variant.
Genome position (GRCh38, 1-based): chr17:50,184,666, G>A on the plus strand (C>T on the coding strand, the complement: COL1A1 is on the minus strand). VCF-style: chr17-50184666-G-A. GRCh37 (hg19) VCF-style: chr17-48262027-G-A.
Identifiers: ClinVar variation 889832 (VCV000889832.4), dbSNP rs527358320, ClinGen allele CA291542656.

ClinVar aggregate classification (germline): Conflicting classifications of pathogenicity. Review status: criteria provided, conflicting classifications (1 of 4 stars). 3 submissions from 1 submitter: Uncertain significance (1); Benign (2). Last evaluated 2018-01-13.

Conditions:
Ehlers-Danlos syndrome, arthrochalasia type. Also called: ARTHROCHALASIS MULTIPLEX CONGENITA; EDS VII, MUTANT PROCOLLAGEN TYPE; EDS VIIA; Ehlers-Danlos syndrome, arthrochalasia type, 1; Ehlers-Danlos syndrome, arthrochalasis type. Identifiers: Orphanet 1899, Orphanet 99875, Orphanet 99876, MedGen C4551623, MONDO:0007525, OMIM 130060.
Osteogenesis imperfecta (OI). Identifiers: Orphanet 666, MedGen C0029434, MeSH D010013, MONDO:0019019.
Infantile cortical hyperostosis. Also called: Caffey Disease; Hyperostosis, Cortical, Congenital; P1PK BLOOD GROUP SYSTEM, P(2) PHENOTYPE. Identifiers: Orphanet 1310, MedGen C0020497, MONDO:0007244, OMIM 114000.

Allele frequency attached by ClinVar (database versions not stated): gnomAD 0.00028 and 0.00045; TOPMed 0.00051; 1000 Genomes Project 30x 0.00172; 1000 Genomes Project 0.00180; gnomAD exomes 0.02217.
gnomAD v4.1: 135 of 121,266 alleles (0.11%); highest among the groups gnomAD compares: East Asian, 2.9%; no homozygotes.

Submissions (3):

Illumina Laboratory Services, Illumina
Classification: Uncertain significance for Infantile cortical hyperostosis. Last evaluated: 2018-01-13. Review status: criteria provided, single submitter. Criteria: ICSL Variant Classification Criteria 13 December 2019. Collection method: clinical testing. Allele origin: germline.

Illumina Laboratory Services, Illumina
Classification: Benign for Ehlers-Danlos syndrome, arthrochalasia type. Last evaluated: 2018-01-13. Review status: criteria provided, single submitter. Criteria: ICSL Variant Classification Criteria 13 December 2019. Collection method: clinical testing. Allele origin: germline.
Comment: This variant was observed in the ICSL laboratory as part of a predisposition screen in an ostensibly healthy population. It had not been previously curated by ICSL or reported in the Human Gene Mutation Database (HGMD: prior to June 1st, 2018), and was therefore a candidate for classification through an automated scoring system. Utilizing variant allele frequency, disease prevalence and penetrance estimates, and inheritance mode, an automated score was calculated to assess if this variant is too frequent to cause the disease. Based on the score and internal cut-off values, a variant classified as benign is not then subjected to further curation. The score for this variant resulted in a classification of benign for this disease.

Illumina Laboratory Services, Illumina
Classification: Benign for Osteogenesis imperfecta. Last evaluated: 2018-01-13. Review status: criteria provided, single submitter. Criteria: ICSL Variant Classification Criteria 13 December 2019. Collection method: clinical testing. Allele origin: germline.
Comment: the same text as in the submission from Illumina Laboratory Services, Illumina above.